The following is an entry in ClinVar:

NM_001696.4(ATP6V1E1):c.439G>A (p.Ala147Thr)

Gene: ATP6V1E1 (ATPase H+ transporting V1 subunit E1; minus strand). Cytogenetic location: 22q11.21.
Variant type: single nucleotide variant.
Coding change: c.439G>A on transcript NM_001696.4 (MANE Select); coding-DNA position 439, G replaced by A.
Protein change: p.Ala147Thr; replaces alanine 147 with threonine.
Molecular consequence: missense variant.
Genome position (GRCh38, 1-based): chr22:17,598,285, C>T on the plus strand (G>A on the coding strand, the complement: ATP6V1E1 is on the minus strand). VCF-style: chr22-17598285-C-T. GRCh37 (hg19) VCF-style: chr22-18081051-C-T.
Other names: c.439G>A (NM_001696.3); c.373G>A, p.Ala125Thr (NM_001039366.1); c.349G>A, p.Ala117Thr (NM_001039367.1); short protein forms A117T, A125T, A147T.
Identifiers: ClinVar variation 1415903 (VCV001415903.4), dbSNP rs200423618, ClinGen allele CA10090074.
Genomic context (GRCh38, chr22:17,598,285, plus strand): 5'-TTTGGACATCAACATCGTTTTTGGTGGCAATTTTGTACATAGGAATTGCCTTCTGCACTG[C>T]AGCCTGGAAGTATAGAACACAATGAGAGGTGTCACTAGGAACTATGAAGCAAGTATCCAA-3'
Protein context (NP_001687.1, residues 137-157): RKQDFPLVKA[Ala147Thr]VQKAIPMYKI

ClinVar aggregate classification (germline): Uncertain significance. Review status: criteria provided, multiple submitters, no conflicts (2 of 4 stars). 2 submissions from 2 submitters: Uncertain significance (2). Last evaluated 2025-10-29.

Allele frequency attached by ClinVar (database versions not stated): gnomAD exomes below 0.00001 and 0.00001; TOPMed 0.00002; ExAC 0.00001; gnomAD 0.00001.
gnomAD v4.1: 5 of 1,612,198 alleles (0.00031%); highest among the groups gnomAD compares: Admixed American, 0.0017%; no homozygotes.

Submissions (2):

Ambry Genetics
Classification: Uncertain significance. Last evaluated: 2025-10-29. Review status: criteria provided, single submitter. Criteria: Ambry Variant Classification Scheme 2023. Collection method: clinical testing. Allele origin: germline.

Labcorp Genetics (formerly Invitae), Labcorp
Classification: Uncertain significance. Last evaluated: 2021-12-13. Review status: criteria provided, single submitter. Criteria: Invitae Variant Classification Sherloc (09022015). Collection method: clinical testing. Allele origin: germline.
Comment: This sequence change replaces alanine, which is neutral and non-polar, with threonine, which is neutral and polar, at codon 147 of the ATP6V1E1 protein (p.Ala147Thr). The frequency data for this variant in the population databases is considered unreliable, as metrics indicate poor data quality at this position in the gnomAD database. This variant has not been reported in the literature in individuals affected with ATP6V1E1-related conditions. Algorithms developed to predict the effect of missense changes on protein structure and function (SIFT, PolyPhen-2, Align-GVGD) all suggest that this variant is likely to be tolerated. In summary, the available evidence is currently insufficient to determine the role of this variant in disease. Therefore, it has been classified as a Variant of Uncertain Significance.